The following is an entry in ClinVar:

NM_001009944.3(PKD1):c.9022G>A (p.Val3008Met)

Gene: PKD1 (polycystin 1, transient receptor potential channel interacting; minus strand). Cytogenetic location: 16p13.3.
Variant type: single nucleotide variant.
Coding change: c.9022G>A on transcript NM_001009944.3 (MANE Select); coding-DNA position 9022, G replaced by A.
Protein change: p.Val3008Met; replaces valine 3008 with methionine.
Molecular consequence: missense variant.
Genome position (GRCh38, 1-based): chr16:2,102,560, C>T on the plus strand (G>A on the coding strand, the complement: PKD1 is on the minus strand). VCF-style: chr16-2102560-C-T. GRCh37 (hg19) VCF-style: chr16-2152561-C-T.
Other names: c.9022G>A, p.Val3008Met (NM_000296.4); c.9022G>A (NM_001009944.2); short protein forms V3008M.
Identifiers: ClinVar variation 811571 (VCV000811571.16), dbSNP rs117896488, ClinGen allele CA7830218.
Genomic context (GRCh38, chr16:2,102,560, plus strand): 5'-CTGTCCGCCACACCATGTCCTCCTCGCTGAAGTACTGGCACAGGGACGTGTACAGGCCCA[C>T]GGACACCTGCAGCGCCGACCAGCGGAAGTGGCTGGAGAGGTTCAGATGGTAACTCCCCGC-3'
Protein context (NP_001009944.3, residues 2998-3018): HFRWSALQVS[Val3008Met]GLYTSLCQYF

ClinVar aggregate classification (germline): Benign/Likely benign. Review status: criteria provided, multiple submitters, no conflicts (2 of 4 stars). 8 submissions from 8 submitters: Benign (2); Likely benign (4). 2 of the submissions do not count toward it. Last evaluated 2026-04-01.

Conditions:
Polycystic kidney disease, adult type (PKD1). Also called: Polycystic Kidney Disease 1, Autosomal Dominant; Polycystic kidney disease 1; Polycystic kidney disease 1, severe; POLYCYSTIC KIDNEY DISEASE, ADULT, TYPE I; Polycystic Kidney, Autosomal Dominant; POLYCYSTIC KIDNEY DISEASE 1 WITH OR WITHOUT POLYCYSTIC LIVER DISEASE. Identifiers: MedGen C3149841, MONDO:0008263, OMIM 173900.

Allele frequency attached by ClinVar (database versions not stated): gnomAD 0.00010 and 0.00021; TOPMed 0.00013; gnomAD exomes 0.00040 and 0.00042; ExAC 0.00051; 1000 Genomes Project 30x 0.00125; 1000 Genomes Project 0.00160.
gnomAD v4.1: 595 of 1,610,954 alleles (0.037%); highest among the groups gnomAD compares: East Asian, 1.3%; 6 homozygotes.

Submissions (8):

CeGaT Center for Human Genetics Tuebingen
Classification: Likely benign. Last evaluated: 2026-04-01. Review status: criteria provided, single submitter. Criteria: CeGaT Center For Human Genetics Tuebingen Variant Classification Criteria Version 2. Collection method: clinical testing. Allele origin: germline. Affected: yes. Observed: 1 variant allele.
Comment: PKD1: PM5, BP4, BS1

Blueprint Genetics
Classification: Likely benign. Last evaluated: 2024-11-18. Review status: criteria provided, single submitter. Criteria: ACMG Guidelines, 2015. Collection method: clinical testing. Allele origin: germline.

Department of Pathology and Laboratory Medicine, Sinai Health System
Classification: Likely benign for Polycystic kidney disease, adult type. Last evaluated: 2023-02-10. Review status: criteria provided, single submitter. Criteria: ACMG Guidelines, 2015. Collection method: clinical testing. Allele origin: germline. Affected: yes.

Fulgent Genetics
Classification: Likely benign for Polycystic kidney disease, adult type. Last evaluated: 2021-09-01. Review status: criteria provided, single submitter. Criteria: ACMG Guidelines, 2015. Collection method: clinical testing. Allele origin: unknown.

ARUP Laboratories, Molecular Genetics and Genomics, ARUP Laboratories
Classification: Benign for Polycystic kidney disease, adult type. Last evaluated: 2018-10-31. Review status: criteria provided, single submitter. Criteria: ARUP Molecular Germline Variant Investigation Process. Collection method: clinical testing. Allele origin: germline.

Breakthrough Genomics
Classification: Benign. Review status: criteria provided, single submitter. Criteria: ACMG Guidelines, 2015. Collection method: not provided. Allele origin: germline. Inheritance: Autosomal dominant inheritance. Affected: yes.

Clinical Genetics DNA and cytogenetics Diagnostics Lab, Erasmus MC, Erasmus Medical Center
Classification: Likely benign. Review status: no assertion criteria provided. Collection method: clinical testing. Allele origin: germline. Affected: yes. Study: VKGL Data-share Consensus. Not counted in ClinVar's aggregate classification.

Genome Diagnostics Laboratory, University Medical Center Utrecht
Classification: Benign. Review status: no assertion criteria provided. Collection method: clinical testing. Allele origin: germline. Affected: yes. Study: VKGL Data-share Consensus. Not counted in ClinVar's aggregate classification.

Literature cited by the submitters: PubMed 11558899 (cited by Department of Pathology and Laboratory Medicine, Sinai Health System).